The following is an entry in ClinVar:

NM_000273.3(GPR143):c.389del (p.Cys130fs)

Gene: GPR143 (G protein-coupled receptor 143; minus strand). Cytogenetic location: Xp22.2.
Variant type: Deletion.
Coding change: c.389del on transcript NM_000273.3 (MANE Select); coding-DNA position 389, one base deleted (G; older notation c.389delG).
Protein change: p.Cys130fs; shifts the reading frame from cysteine 130.
Molecular consequence: frameshift variant.
Genome position (GRCh38, 1-based): chrX:9,759,398, C deleted on the plus strand (G on the coding strand, the reverse complement: GPR143 is on the minus strand). VCF-style (leftmost placement, unchanged base first): chrX-9759397-GC-G. GRCh37 (hg19) VCF-style: chrX-9727437-GC-G.
Other names: c.389del, p.Cys130fs (NM_001440781.1); short protein forms C130fs.
Identifiers: ClinVar variation 4729834 (VCV004729834.1).

ClinVar aggregate classification (germline): Pathogenic (1 of 4 stars; one submission).

Submission:

Labcorp Genetics (formerly Invitae), Labcorp
Classification: Pathogenic. Last evaluated: 2025-10-25. Review status: criteria provided, single submitter. Criteria: Invitae Variant Classification Sherloc (09022015). Collection method: clinical testing. Allele origin: germline.
Comment: This sequence change creates a premature translational stop signal (p.Cys130Serfs*15) in the GPR143 gene. It is expected to result in an absent or disrupted protein product. Loss-of-function variants in GPR143 are known to be pathogenic (PMID: 15965158, 18978956, 19390656, 21541274, 26160353, 28211458). This variant is not present in population databases (gnomAD no frequency). This variant has not been reported in the literature in individuals affected with GPR143-related conditions. For these reasons, this variant has been classified as Pathogenic.

Literature cited by the submitters: PubMed 15965158; PubMed 18978956; PubMed 19390656; PubMed 21541274; PubMed 26160353; PubMed 28211458.